The following is an entry in ClinVar:

ClinVar aggregate classification (germline): Uncertain significance (1 of 4 stars; one submission).

Submission:

Labcorp Genetics (formerly Invitae), Labcorp
Classification: Uncertain significance. Last evaluated: 2025-11-11. Review status: criteria provided, single submitter. Criteria: Invitae Variant Classification Sherloc (09022015). Collection method: clinical testing. Allele origin: germline.
Comment: This sequence change replaces glutamine, which is neutral and polar, with arginine, which is basic and polar, at codon 105 of the KRT83 protein (p.Gln105Arg). This variant is present in population databases (rs767320922, gnomAD 0.02%). This variant has not been reported in the literature in individuals affected with KRT83-related conditions. Invitae Evidence Modeling of protein sequence and biophysical properties (such as structural, functional, and spatial information, amino acid conservation, physicochemical variation, residue mobility, and thermodynamic stability) indicates that this missense variant is not expected to disrupt KRT83 protein function with a negative predictive value of 80%. In summary, the available evidence is currently insufficient to determine the role of this variant in disease. Therefore, it has been classified as a Variant of Uncertain Significance.

NM_002282.3(KRT83):c.314A>G (p.Gln105Arg)

Gene: KRT83 (keratin 83; minus strand). Cytogenetic location: 12q13.13.
Variant type: single nucleotide variant.
Coding change: c.314A>G on transcript NM_002282.3 (MANE Select); coding-DNA position 314, A replaced by G.
Protein change: p.Gln105Arg; replaces glutamine 105 with arginine.
Molecular consequence: missense variant.
Genome position (GRCh38, 1-based): chr12:52,321,022, T>C on the plus strand (A>G on the coding strand, the complement: KRT83 is on the minus strand). VCF-style: chr12-52321022-T-C. GRCh37 (hg19) VCF-style: chr12-52714806-T-C.
Other names: short protein forms Q105R.
Identifiers: ClinVar variation 4701174 (VCV004701174.1).
Genomic context (GRCh38, chr12:52,321,022, plus strand): 5'-AAGGCCGCGAATCTGCTGTTGAGGGACTTGATCTGCTCCTTCTCCTCCTGCTTCACGCAC[T>C]GCGCGTTGGGGTCTATCTCCAGGTTGAGGGGCGTGAGGAGGCTCTCGTTGACCGACACGG-3'
Protein context (NP_002273.3, residues 95-115): PLNLEIDPNA[Gln105Arg]CVKQEEKEQI